The following is an entry in ClinVar:

ClinVar aggregate classification (germline): Pathogenic (1 of 4 stars; one submission).

Conditions:
CEP290-related ciliopathy. Also called: CEP290 ciliopathy. Identifiers: MedGen CN305601, MONDO:0100451.

Submission:

Myriad Genetics, Inc.
Classification: Pathogenic for CEP290-related ciliopathy. Last evaluated: 2026-05-21. Review status: criteria provided, single submitter. Criteria: Myriad Autosomal Dominant, Autosomal Recessive and X-Linked Classification Criteria (2023). Collection method: clinical testing. Allele origin: unknown.
Comment: NM_025114.3(CEP290):c.6698T>G(L2233*) is expected to be pathogenic in the context of CEP290-related disorders. This variant is predicted to lead to an abnormal or absent protein product due to the creation of a premature termination codon in CEP290, a gene where loss-of-function variants are known to be pathogenic. Please note: this variant was assessed in the context of healthy population screening.

NM_025114.4(CEP290):c.6698T>G (p.Leu2233Ter)

Gene: CEP290 (centrosomal protein 290; minus strand). Cytogenetic location: 12q21.32.
Variant type: single nucleotide variant.
Coding change: c.6698T>G on transcript NM_025114.4 (MANE Select); coding-DNA position 6698, T replaced by G.
Protein change: p.Leu2233Ter; replaces leucine 2233 with a stop codon.
Molecular consequence: nonsense.
Genome position (GRCh38, 1-based): chr12:88,058,968, A>C on the plus strand (T>G on the coding strand, the complement: CEP290 is on the minus strand). VCF-style: chr12-88058968-A-C. GRCh37 (hg19) VCF-style: chr12-88452745-A-C.
Other names: short protein forms L2233*.
Identifiers: ClinVar variation 5015936 (VCV005015936.1).
Genomic context (GRCh38, chr12:88,058,968, plus strand): 5'-CTTTCTGCAAACTGCAATCTCTTACCAGTCTCTTCTAGTTGAACTGTCATCTTCTCATTT[A>C]ATATCTCTAAATTATTCTTTGCTATCCGTAATTTCTCTGCAGCATCAGTTTCCTATCATT-3'